The following is an entry in ClinVar:

ClinVar aggregate classification (germline): Uncertain significance (1 of 4 stars; one submission).

Allele frequency attached by ClinVar (database versions not stated): gnomAD exomes below 0.00001.
gnomAD v4.1: 2 of 1,612,858 alleles (0.00012%); highest among the groups gnomAD compares: Non-Finnish European, 0.00017%; no homozygotes.

Submission:

GeneDx
Classification: Uncertain significance. Last evaluated: 2022-02-24. Review status: criteria provided, single submitter. Criteria: GeneDx Variant Classification Process June 2021. Collection method: clinical testing. Allele origin: germline. Affected: yes.
Comment: Not observed at significant frequency in large population cohorts (gnomAD); In silico analysis supports that this missense variant does not alter protein structure/function; Has not been previously published as pathogenic or benign to our knowledge

NM_003366.4(UQCRC2):c.32C>T (p.Ser11Leu)

Gene: UQCRC2 (ubiquinol-cytochrome c reductase core protein 2). Cytogenetic location: 16p12.2.
Variant type: single nucleotide variant.
Coding change: c.32C>T on transcript NM_003366.4 (MANE Select); coding-DNA position 32, C replaced by T.
Protein change: p.Ser11Leu; replaces serine 11 with leucine.
Molecular consequence: missense variant.
Genome position (GRCh38, 1-based): chr16:21,953,455, C>T. VCF-style: chr16-21953455-C-T. GRCh37 (hg19) VCF-style: chr16-21964776-C-T.
Other names: short protein forms S11L.
Identifiers: ClinVar variation 1703469 (VCV001703469.2), dbSNP rs2141923252, ClinGen allele CA395247527.